The following is an entry in ClinVar:

ClinVar aggregate classification (germline): Conflicting classifications of pathogenicity. Review status: criteria provided, conflicting classifications (1 of 4 stars). 3 submissions from 3 submitters: Uncertain significance (2); Likely benign (1). Last evaluated 2024-09-03.

Conditions:
Hereditary cancer-predisposing syndrome. Also called: Tumor predisposition; Hereditary Cancer Syndrome; Hereditary neoplastic syndrome; Neoplastic Syndromes, Hereditary. Identifiers: Orphanet 140162, MedGen C0027672, MeSH D009386, MONDO:0015356.
Hereditary pheochromocytoma and paraganglioma. Also called: Hereditary paragangliomas and pheochromocytomas; Hereditary Paraganglioma-Pheochromocytoma Syndromes; Hereditary pheochromocytoma-paraganglioma. Identifiers: Orphanet 29072, MedGen C4274332, MONDO:0017366.

Allele frequency attached by ClinVar (database versions not stated): gnomAD exomes below 0.00001; TOPMed below 0.00001.
gnomAD v4.1: 1 of 1,613,990 alleles (0.000062%); highest among the groups gnomAD compares: Admixed American, 0.0017%; no homozygotes.

Submissions (3):

Labcorp Genetics (formerly Invitae), Labcorp
Classification: Uncertain significance for Hereditary pheochromocytoma and paraganglioma. Last evaluated: 2024-09-03. Review status: criteria provided, single submitter. Criteria: Invitae Variant Classification Sherloc (09022015). Collection method: clinical testing. Allele origin: germline.
Comment: This sequence change replaces serine, which is neutral and polar, with alanine, which is neutral and non-polar, at codon 62 of the SDHAF2 protein (p.Ser62Ala). This variant is not present in population databases (gnomAD no frequency). This variant has not been reported in the literature in individuals affected with SDHAF2-related conditions. ClinVar contains an entry for this variant (Variation ID: 2054679). An algorithm developed to predict the effect of missense changes on protein structure and function (PolyPhen-2) suggests that this variant is likely to be tolerated. In summary, the available evidence is currently insufficient to determine the role of this variant in disease. Therefore, it has been classified as a Variant of Uncertain Significance.

Ambry Genetics
Classification: Likely benign for Hereditary cancer-predisposing syndrome. Last evaluated: 2024-08-09. Review status: criteria provided, single submitter. Criteria: Ambry Variant Classification Scheme 2023. Collection method: clinical testing. Allele origin: germline.

All of Us Research Program, National Institutes of Health
Classification: Uncertain significance for Hereditary pheochromocytoma and paraganglioma. Last evaluated: 2023-11-20. Review status: criteria provided, single submitter. Criteria: ACMG Guidelines, 2015. Collection method: clinical testing. Allele origin: germline. Inheritance: Autosomal dominant inheritance. Observed: 1 variant allele, 1 heterozygote.
Comment: This missense variant replaces serine with alanine at codon 62 of the SDHAF2 protein. Computational prediction suggests that this variant may not impact protein structure and function (internally defined REVEL score threshold <= 0.5, PMID: 27666373). To our knowledge, functional studies have not been reported for this variant. This variant has not been reported in individuals affected with SDHAF2-related disorders in the literature. This variant has not been identified in the general population by the Genome Aggregation Database (gnomAD). The available evidence is insufficient to determine the role of this variant in disease conclusively. Therefore, this variant is classified as a Variant of Uncertain Significance.

This study involves interpretation of variants in research participants for the purpose of population health screening. Participant phenotype was not available at the time of variant classification. Additional details can be found in publication PMID: 35346344, PMCID: PMC8962531

NM_017841.4(SDHAF2):c.184T>G (p.Ser62Ala)

Gene: SDHAF2 (succinate dehydrogenase complex assembly factor 2; plus strand). Cytogenetic location: 11q12.2.
Variant type: single nucleotide variant.
Coding change: c.184T>G on transcript NM_017841.4 (MANE Select); coding-DNA position 184, T replaced by G.
Protein change: p.Ser62Ala; replaces serine 62 with alanine.
Molecular consequence: missense variant.
Genome position (GRCh38, 1-based): chr11:61,437,772, T>G. VCF-style: chr11-61437772-T-G. GRCh37 (hg19) VCF-style: chr11-61205244-T-G.
Other names: short protein forms S62A.
Identifiers: ClinVar variation 2054679 (VCV002054679.6), dbSNP rs1590764849, ClinGen allele CA380683520.